The following is an entry in ClinVar:

ClinVar aggregate classification (germline): Conflicting classifications of pathogenicity. Review status: criteria provided, conflicting classifications (1 of 4 stars). 6 submissions from 6 submitters: Uncertain significance (1); Likely benign (2). 3 of the submissions do not count toward it. Last evaluated 2025-12-15.

Conditions:
PCYT1A-related disorder. Also called: PCYT1A-related condition.
Inborn genetic diseases. Identifiers: MedGen C0950123, MeSH D030342.

Allele frequency attached by ClinVar (database versions not stated): gnomAD 0.00004 and 0.00033; TOPMed 0.00004; gnomAD exomes 0.00040 and 0.00087; ExAC 0.00097; 1000 Genomes Project 30x 0.00234; 1000 Genomes Project 0.00260.
gnomAD v4.1: 630 of 1,614,200 alleles (0.039%); highest among the groups gnomAD compares: South Asian, 0.65%; 5 homozygotes.

Submissions (6):

Labcorp Genetics (formerly Invitae), Labcorp
Classification: Likely benign. Last evaluated: 2025-12-15. Review status: criteria provided, single submitter. Criteria: Invitae Variant Classification Sherloc (09022015). Collection method: clinical testing. Allele origin: germline.

Blueprint Genetics
Classification: Likely benign. Last evaluated: 2024-09-03. Review status: criteria provided, single submitter. Criteria: ACMG Guidelines, 2015. Collection method: clinical testing. Allele origin: germline.

Ambry Genetics
Classification: Uncertain significance for Inborn genetic diseases. Last evaluated: 2024-08-01. Review status: criteria provided, single submitter. Criteria: Ambry Variant Classification Scheme 2023. Collection method: clinical testing. Allele origin: germline.

PreventionGenetics, part of Exact Sciences
Classification: Likely benign for PCYT1A-related condition. Last evaluated: 2021-01-11. Review status: no assertion criteria provided. Collection method: clinical testing. Allele origin: germline. Not counted in ClinVar's aggregate classification.
Comment: This variant is classified as likely benign based on ACMG/AMP sequence variant interpretation guidelines (Richards et al. 2015 PMID: 25741868, with internal and published modifications).

Clinical Genetics DNA and cytogenetics Diagnostics Lab, Erasmus MC, Erasmus Medical Center
Classification: Likely benign. Review status: no assertion criteria provided. Collection method: clinical testing. Allele origin: germline. Affected: yes. Study: VKGL Data-share Consensus. Not counted in ClinVar's aggregate classification.

Clinical Genetics, Academic Medical Center
Classification: Likely benign. Review status: no assertion criteria provided. Collection method: clinical testing. Allele origin: germline. Affected: yes. Study: VKGL Data-share Consensus. Not counted in ClinVar's aggregate classification.

NM_001312673.2(PCYT1A):c.707A>G (p.Asn236Ser)

Gene: PCYT1A (phosphate cytidylyltransferase 1A, choline; minus strand). Cytogenetic location: 3q29.
Variant type: single nucleotide variant.
Coding change: c.707A>G on transcript NM_001312673.2 (MANE Select); coding-DNA position 707, A replaced by G.
Protein change: p.Asn236Ser; replaces asparagine 236 with serine.
Molecular consequence: missense variant.
Genome position (GRCh38, 1-based): chr3:196,241,949, T>C on the plus strand (A>G on the coding strand, the complement: PCYT1A is on the minus strand). VCF-style: chr3-196241949-T-C. GRCh37 (hg19) VCF-style: chr3-195968820-T-C.
Other names: c.707A>G, p.Asn236Ser (NM_005017.4); c.707A>G (NM_005017.2); short protein forms N236S.
Identifiers: ClinVar variation 749259 (VCV000749259.16), dbSNP rs201929666, ClinGen allele CA2779471.
Genomic context (GRCh38, chr3:196,241,949, plus strand): 5'-GTGGGAGGTGATATGTCTCCTACAGAGTCAGGGAACTCTGGGGTAAGGCTGGAACTCACG[T>C]TGATAAAGCTGACATTGAGCTCCTTTGCTGTGTAGCCCCTCTGCAGGTTCCGCCTCGCAT-3'
Protein context (NP_001299602.1, residues 226-246): TAKELNVSFI[Asn236Ser]EKKYHLQERV